The following is an entry in ClinVar:

NM_002972.4(SBF1):c.116A>G (p.Asn39Ser)

Gene: SBF1 (SET binding factor 1; minus strand). Cytogenetic location: 22q13.33.
Variant type: single nucleotide variant.
Coding change: c.116A>G on transcript NM_002972.4 (MANE Select); coding-DNA position 116, A replaced by G.
Protein change: p.Asn39Ser; replaces asparagine 39 with serine.
Molecular consequence: missense variant.
Genome position (GRCh38, 1-based): chr22:50,468,401, T>C on the plus strand (A>G on the coding strand, the complement: SBF1 is on the minus strand). VCF-style: chr22-50468401-T-C. GRCh37 (hg19) VCF-style: chr22-50906830-T-C.
Other names: c.116A>G, p.Asn39Ser (NM_001365819.1, NM_001410794.1, NM_001410795.1 and 1 more transcripts); short protein forms N39S.
Identifiers: ClinVar variation 2417090 (VCV002417090.6), dbSNP rs764669847, ClinGen allele CA10318234.

ClinVar aggregate classification (germline): Uncertain significance (1 of 4 stars; one submission).

Allele frequency attached by ClinVar (database versions not stated): ExAC 0.00002; TOPMed 0.00002.
gnomAD v4.1: 13 of 1,612,612 alleles (0.00081%); highest among the groups gnomAD compares: South Asian, 0.0088%; no homozygotes.

Submission:

Labcorp Genetics (formerly Invitae), Labcorp
Classification: Uncertain significance. Last evaluated: 2022-09-15. Review status: criteria provided, single submitter. Criteria: Invitae Variant Classification Sherloc (09022015). Collection method: clinical testing. Allele origin: germline.
Comment: This sequence change replaces asparagine, which is neutral and polar, with serine, which is neutral and polar, at codon 39 of the SBF1 protein (p.Asn39Ser). This variant is present in population databases (rs764669847, gnomAD 0.01%). This variant has not been reported in the literature in individuals affected with SBF1-related conditions. Advanced modeling of protein sequence and biophysical properties (such as structural, functional, and spatial information, amino acid conservation, physicochemical variation, residue mobility, and thermodynamic stability) performed at Invitae indicates that this missense variant is not expected to disrupt SBF1 protein function. In summary, the available evidence is currently insufficient to determine the role of this variant in disease. Therefore, it has been classified as a Variant of Uncertain Significance.